The following is an entry in ClinVar:

NM_001297.5(CNGB1):c.2603G>A (p.Gly868Asp)

Gene: CNGB1 (cyclic nucleotide gated channel subunit beta 1; minus strand). Cytogenetic location: 16q21.
Variant type: single nucleotide variant.
Coding change: c.2603G>A on transcript NM_001297.5 (MANE Select); coding-DNA position 2603, G replaced by A.
Protein change: p.Gly868Asp; replaces glycine 868 with aspartic acid.
Molecular consequence: missense variant.
Genome position (GRCh38, 1-based): chr16:57,904,765, C>T on the plus strand (G>A on the coding strand, the complement: CNGB1 is on the minus strand). VCF-style: chr16-57904765-C-T. GRCh37 (hg19) VCF-style: chr16-57938669-C-T.
Other names: c.2585G>A, p.Gly862Asp (NM_001286130.2); short protein forms G868D, G862D.
Identifiers: ClinVar variation 493184 (VCV000493184.56), dbSNP rs770961534, ClinGen allele CA8082916.

ClinVar aggregate classification (germline): Conflicting classifications of pathogenicity. Review status: criteria provided, conflicting classifications (1 of 4 stars). 7 submissions from 7 submitters: Pathogenic (4); Uncertain significance (3). Last evaluated 2024-11-26.

Conditions:
Retinitis pigmentosa (RP). Identifiers: Orphanet 791, MedGen C0035334, MeSH D012174, MONDO:0019200, OMIM 268000. Inheritance: Autosomal dominant, autosomal recessive and X linked inheritance.
CNGB1-related disorder. Also called: CNGB1-related condition.

Allele frequency attached by ClinVar (database versions not stated): ExAC 0.00001; gnomAD 0.00001; gnomAD exomes 0.00001; TOPMed 0.00001.
gnomAD v4.1: 16 of 1,614,044 alleles (0.00099%); highest among the groups gnomAD compares: Middle Eastern, 0.016%; no homozygotes.

Submissions (7):

Blueprint Genetics
Classification: Pathogenic for CNGB1-related disorders. Last evaluated: 2024-11-26. Review status: criteria provided, single submitter. Criteria: ACMG Guidelines, 2015. Collection method: clinical testing. Allele origin: germline. Affected: yes. Observed: 5 variant alleles.

Labcorp Genetics (formerly Invitae), Labcorp
Classification: Pathogenic. Last evaluated: 2024-02-17. Review status: criteria provided, single submitter. Criteria: Invitae Variant Classification Sherloc (09022015). Collection method: clinical testing. Allele origin: germline.
Comment: This sequence change replaces glycine, which is neutral and non-polar, with aspartic acid, which is acidic and polar, at codon 868 of the CNGB1 protein (p.Gly868Asp). This variant is present in population databases (rs770961534, gnomAD 0.002%). This missense change has been observed in individual(s) with retinitis pigmentosa (PMID: 32613137; Invitae). In at least one individual the data is consistent with being in trans (on the opposite chromosome) from a pathogenic variant. It has also been observed to segregate with disease in related individuals. ClinVar contains an entry for this variant (Variation ID: 493184). Advanced modeling of protein sequence and biophysical properties (such as structural, functional, and spatial information, amino acid conservation, physicochemical variation, residue mobility, and thermodynamic stability) performed at Invitae indicates that this missense variant is expected to disrupt CNGB1 protein function with a positive predictive value of 80%. For these reasons, this variant has been classified as Pathogenic.

Women's Health and Genetics/Laboratory Corporation of America, LabCorp
Classification: Pathogenic for Retinitis pigmentosa. Last evaluated: 2023-11-28. Review status: criteria provided, single submitter. Criteria: LabCorp Variant Classification Summary - May 2015. Collection method: clinical testing. Allele origin: germline.
Comment: Variant summary: CNGB1 c.2603G>A (p.Gly868Asp) results in a non-conservative amino acid change in the encoded protein sequence. Five of five in-silico tools predict a damaging effect of the variant on protein function. The variant allele was found at a frequency of 8e-06 in 249582 control chromosomes (gnomAD). c.2603G>A has been reported in the literature in multiple individuals affected with Retinitis Pigmentosa (Alshamrani_2020, Weisschuh_2020, Nassisi_2021). These data indicate that the variant is very likely to be associated with disease. The following publications have been ascertained in the context of this evaluation (PMID: 32613137, 32531858, 33847019). Five submitters have cited clinical-significance assessments for this variant to ClinVar after 2014, and classified it as pathogenic (n=2) or uncertain significance (n=3). Based on the evidence outlined above, the variant was classified as pathogenic.

GeneDx
Classification: Uncertain significance. Last evaluated: 2022-08-19. Review status: criteria provided, single submitter. Criteria: GeneDx Variant Classification Process June 2021. Collection method: clinical testing. Allele origin: germline. Affected: yes.
Comment: Not observed at significant frequency in large population cohorts (gnomAD); In silico analysis supports that this missense variant has a deleterious effect on protein structure/function; This variant is associated with the following publications: (PMID: 32531858, 33847019, 32613137)

Molecular Genetics Laboratory, Institute for Ophthalmic Research
Classification: Pathogenic for Retinitis pigmentosa. Last evaluated: 2020-01-09. Review status: criteria provided, single submitter. Criteria: ACMG Guidelines, 2015. Collection method: research. Allele origin: germline. Affected: yes.

Illumina Laboratory Services, Illumina
Classification: Uncertain significance for Retinitis pigmentosa. Last evaluated: 2018-01-13. Review status: criteria provided, single submitter. Criteria: ICSL Variant Classification Criteria 13 December 2019. Collection method: clinical testing. Allele origin: germline.

CeGaT Center for Human Genetics Tuebingen
Classification: Uncertain significance. Last evaluated: 2017-10-01. Review status: criteria provided, single submitter. Criteria: CeGaT Center For Human Genetics Tuebingen Variant Classification Criteria Version 2. Collection method: clinical testing. Allele origin: germline. Affected: yes. Observed: 1 variant allele.

Literature cited by the submitters: PubMed 32613137 (cited by Labcorp Genetics (formerly Invitae), Labcorp and Women's Health and Genetics/Laboratory Corporation of America, LabCorp); PubMed 32531858 (cited by Women's Health and Genetics/Laboratory Corporation of America, LabCorp); PubMed 33847019 (cited by Women's Health and Genetics/Laboratory Corporation of America, LabCorp).